The following is an entry in ClinVar:

NM_003482.4(KMT2D):c.2232_2258del (p.746RPEEPHLSP[1])

Gene: KMT2D (lysine methyltransferase 2D; minus strand). Cytogenetic location: 12q13.12.
Variant type: Deletion.
Coding change: c.2232_2258del on transcript NM_003482.4 (MANE Select); coding-DNA positions 2232 to 2258, 27 bases deleted (ACCCCGGCCTGAGGAGCCGCACCTGTC).
Protein change: p.746RPEEPHLSP[1].
Molecular consequence: inframe deletion.
Genome position (GRCh38, 1-based): chr12:49,051,425-49,051,451, GACAGGTGCGGCTCCTCAGGCCGGGGT deleted on the plus strand (ACCCCGGCCTGAGGAGCCGCACCTGTC on the coding strand, the reverse complement: KMT2D is on the minus strand); deleting any 27 consecutive bases within chr12:49,051,425-49,051,463 gives the same sequence; the c. name uses the placement nearest the transcript's 3' end. VCF-style (leftmost placement, unchanged base first): chr12-49051424-GGACAGGTGCGGCTCCTCAGGCCGGGGT-G. GRCh37 (hg19) VCF-style: chr12-49445207-GGACAGGTGCGGCTCCTCAGGCCGGGGT-G.
Other names: c.2232_2258delACCCCGGCCTGAGGAGCCGCACCTGTC (NM_003482.3).
Identifiers: ClinVar variation 94199 (VCV000094199.24), dbSNP rs398123736, ClinGen allele CA222055.
Genomic context (GRCh38, chr12:49,051,424, plus strand): 5'-CTGGGGGGACAGGTGTGGCTCCTCAGCCTGCGGAGATAGGTGTGGCTCCTCAGGCCGGGG[GGACAGGTGCGGCTCCTCAGGCCGGGGT>G]GACAGGTGCGGCCCCTCGGACCGGGGGCAGAGTTGCGGCTCCTCAGGTAGTGGCAACAGG-3'

ClinVar aggregate classification (germline): Conflicting classifications of pathogenicity. Review status: criteria provided, conflicting classifications (1 of 4 stars). 5 submissions from 5 submitters: Uncertain significance (1); Likely benign (3). 1 of the submissions does not count toward it. Last evaluated 2026-01-02.

Conditions:
KMT2D-related disorder. Also called: KMT2D-Related Disorders.
Kabuki syndrome. Also called: NIIKAWA-KUROKI SYNDROME; Kabuki make-up syndrome. Identifiers: Orphanet 2322, MedGen C0796004, MONDO:0016512.

Submissions (5):

Labcorp Genetics (formerly Invitae), Labcorp
Classification: Likely benign for Kabuki syndrome. Last evaluated: 2026-01-02. Review status: criteria provided, single submitter. Criteria: Invitae Variant Classification Sherloc (09022015). Collection method: clinical testing. Allele origin: germline.

CeGaT Center for Human Genetics Tuebingen
Classification: Likely benign. Last evaluated: 2025-10-01. Review status: criteria provided, single submitter. Criteria: CeGaT Center For Human Genetics Tuebingen Variant Classification Criteria Version 2. Collection method: clinical testing. Allele origin: germline. Affected: yes. Observed: 1 variant allele.
Comment: KMT2D: PM4, BS2

Genetic Services Laboratory, University of Chicago
Classification: Likely benign. Last evaluated: 2021-04-23. Review status: criteria provided, single submitter. Criteria: ACMG Guidelines, 2015. Collection method: clinical testing. Allele origin: germline. Affected: no.

Eurofins Ntd Llc (ga)
Classification: Uncertain significance. Last evaluated: 2013-04-29. Review status: criteria provided, single submitter. Criteria: EGL Classification Definitions 2015. Collection method: clinical testing. Allele origin: germline. Observed: 1 variant allele, 1 heterozygote.

PreventionGenetics, part of Exact Sciences
Classification: Likely benign for KMT2D-related condition. Last evaluated: 2022-03-26. Review status: no assertion criteria provided. Collection method: clinical testing. Allele origin: germline. Not counted in ClinVar's aggregate classification.
Comment: This variant is classified as likely benign based on ACMG/AMP sequence variant interpretation guidelines (Richards et al. 2015 PMID: 25741868, with internal and published modifications).